The following is an entry in ClinVar:

NM_015158.5(KANK1):c.674A>G (p.Tyr225Cys)

Gene: KANK1 (KN motif and ankyrin repeat domains 1; plus strand). Cytogenetic location: 9p24.3.
Variant type: single nucleotide variant.
Coding change: c.674A>G on transcript NM_015158.5 (MANE Select); coding-DNA position 674, A replaced by G.
Protein change: p.Tyr225Cys; replaces tyrosine 225 with cysteine.
Molecular consequence: missense variant. On other transcripts: non-coding transcript variant (1).
Genome position (GRCh38, 1-based): chr9:711,440, A>G. VCF-style: chr9-711440-A-G. GRCh37 (hg19) VCF-style: chr9-711440-A-G.
Other names: c.674A>G, p.Tyr225Cys (NM_001256876.3, NM_001256877.3, NM_001354331.2 and 2 more transcripts); c.200A>G, p.Tyr67Cys (NM_001354333.2, NM_001354335.2, NM_001354336.2 and 9 more transcripts); short protein forms Y67C, Y225C.
Identifiers: ClinVar variation 1519534 (VCV001519534.6), dbSNP rs1217128856, ClinGen allele CA372746641.

ClinVar aggregate classification (germline): Uncertain significance (1 of 4 stars; one submission).

Allele frequency attached by ClinVar (database versions not stated): gnomAD exomes below 0.00001 and 0.00001.
gnomAD v4.1: 4 of 1,614,130 alleles (0.00025%); highest among the groups gnomAD compares: Admixed American, 0.005%; no homozygotes.

Submission:

Labcorp Genetics (formerly Invitae), Labcorp
Classification: Uncertain significance. Last evaluated: 2025-02-06. Review status: criteria provided, single submitter. Criteria: Invitae Variant Classification Sherloc (09022015). Collection method: clinical testing. Allele origin: germline.
Comment: This sequence change replaces tyrosine, which is neutral and polar, with cysteine, which is neutral and slightly polar, at codon 225 of the KANK1 protein (p.Tyr225Cys). This variant is present in population databases (no rsID available, gnomAD 0.006%). This variant has not been reported in the literature in individuals affected with KANK1-related conditions. ClinVar contains an entry for this variant (Variation ID: 1519534). Invitae Evidence Modeling of protein sequence and biophysical properties (such as structural, functional, and spatial information, amino acid conservation, physicochemical variation, residue mobility, and thermodynamic stability) indicates that this missense variant is not expected to disrupt KANK1 protein function with a negative predictive value of 80%. In summary, the available evidence is currently insufficient to determine the role of this variant in disease. Therefore, it has been classified as a Variant of Uncertain Significance.